The following is an entry in ClinVar:

NM_000295.5(SERPINA1):c.1096G>C (p.Glu366Gln)

Gene: SERPINA1 (serpin family A member 1; minus strand). Cytogenetic location: 14q32.13.
Variant type: single nucleotide variant.
Coding change: c.1096G>C on transcript NM_000295.5 (MANE Select); coding-DNA position 1096, G replaced by C.
Protein change: p.Glu366Gln; replaces glutamic acid 366 with glutamine.
Molecular consequence: missense variant.
Genome position (GRCh38, 1-based): chr14:94,378,610, C>G on the plus strand (G>C on the coding strand, the complement: SERPINA1 is on the minus strand). VCF-style: chr14-94378610-C-G. GRCh37 (hg19) VCF-style: chr14-94844947-C-G.
Other names: c.1096G>C, p.Glu366Gln (NM_001002235.3, NM_001002236.3, NM_001127700.2 and 7 more transcripts); short protein forms E366Q.
Identifiers: ClinVar variation 1492979 (VCV001492979.8), dbSNP rs28929474, ClinGen allele CA390847805.
Genomic context (GRCh38, chr14:94,378,610, plus strand): 5'-GGGGGATAGACATGGGTATGGCCTCTAAAAACATGGCCCCAGCAGCTTCAGTCCCTTTCT[C>G]GTCGATGGTCAGCACAGCCTTATGCACGGCCTGGAGGGGAGAGAAGCAGAGACACGTTGT-3'
Protein context (NP_000286.3, residues 356-376): AVHKAVLTID[Glu366Gln]KGTEAAGAMF

ClinVar aggregate classification (germline): Likely pathogenic (1 of 4 stars; one submission).

Conditions:
Alpha-1-antitrypsin deficiency (A1ATD). Also called: Alpha1-Antitrypsin Deficiency; AAT deficiency; A1AT deficiency. Identifiers: Orphanet 60, MedGen C0221757, MONDO:0013282, OMIM 613490.

gnomAD v4.1: 7 of 1,614,146 alleles (0.00043%); highest among the groups gnomAD compares: Admixed American, 0.01%; no homozygotes.

Submission:

Labcorp Genetics (formerly Invitae), Labcorp
Classification: Likely pathogenic for Alpha-1-antitrypsin deficiency. Last evaluated: 2023-09-09. Review status: criteria provided, single submitter. Criteria: Invitae Variant Classification Sherloc (09022015). Collection method: clinical testing. Allele origin: germline.
Comment: This variant is present in population databases (no rsID available, gnomAD 0.02%). In summary, the currently available evidence indicates that the variant is pathogenic, but additional data are needed to prove that conclusively. Therefore, this variant has been classified as Likely Pathogenic. This variant disrupts the p.Glu366 amino acid residue in SERPINA1. Other variant(s) that disrupt this residue have been determined to be pathogenic (PMID: 3500183, 9569237, 19083091). This suggests that this residue is clinically significant, and that variants that disrupt this residue are likely to be disease-causing. Advanced modeling of protein sequence and biophysical properties (such as structural, functional, and spatial information, amino acid conservation, physicochemical variation, residue mobility, and thermodynamic stability) performed at Invitae indicates that this missense variant is expected to disrupt SERPINA1 protein function. ClinVar contains an entry for this variant (Variation ID: 1492979). This variant has not been reported in the literature in individuals affected with SERPINA1-related conditions. This sequence change replaces glutamic acid, which is acidic and polar, with glutamine, which is neutral and polar, at codon 366 of the SERPINA1 protein (p.Glu366Gln).

Literature cited by the submitters: PubMed 3500183; PubMed 9569237; PubMed 19083091.